The following is an entry in ClinVar:

ClinVar aggregate classification (germline): Uncertain significance (1 of 4 stars; one submission).

Submission:

GeneDx
Classification: Uncertain significance. Last evaluated: 2022-06-09. Review status: criteria provided, single submitter. Criteria: GeneDx Variant Classification Process June 2021. Collection method: clinical testing. Allele origin: germline. Affected: yes.
Comment: Has not been previously published as pathogenic or benign to our knowledge; Not observed at significant frequency in large population cohorts (gnomAD); In silico analysis supports that this missense variant has a deleterious effect on protein structure/function

NM_021120.4(DLG3):c.1213G>T (p.Asp405Tyr)

Genes: DLG3 (discs large MAGUK scaffold protein 3; plus strand), DLG3-AS1 (DLG3 antisense RNA 1; minus strand). Cytogenetic location: Xq13.1.
Variant type: single nucleotide variant.
Coding change: c.1213G>T on transcript NM_021120.4 (MANE Select); coding-DNA position 1213, G replaced by T.
Protein change: p.Asp405Tyr; replaces aspartic acid 405 with tyrosine.
Molecular consequence: missense variant.
Genome position (GRCh38, 1-based): chrX:70,453,704, G>T. VCF-style: chrX-70453704-G-T. GRCh37 (hg19) VCF-style: chrX-69673554-G-T.
Other names: c.202G>T, p.Asp68Tyr (NM_020730.3); short protein forms D405Y, D68Y.
Identifiers: ClinVar variation 1803637 (VCV001803637.1), dbSNP rs2519741522, ClinGen allele CA413495069.